The following is an entry in ClinVar:

ClinVar aggregate classification (germline): Likely pathogenic (1 of 4 stars; one submission).

Conditions:
Warburg micro syndrome 1 (WARBM1). Identifiers: Orphanet 2510, MedGen C1838625, MONDO:0010822, OMIM 600118.

Submission:

Neuberg Centre For Genomic Medicine, NCGM
Classification: Likely pathogenic for Warburg micro syndrome 1. Review status: criteria provided, single submitter. Criteria: ACMG Guidelines, 2015. Collection method: clinical testing. Allele origin: germline. Affected: yes.
Comment: The stop gained p.S400* in RAB3GAP1 (NM_012233.3) has not been reported previously as a pathogenic variant nor as a benign variant, to our knowledge. The p.S400* variant is novel (not in any individuals) in gnomAD Exomes and is novel (not in any individuals) in 1000 Genomes. This variant is predicted to cause loss of normal protein function through protein truncation. Loss of function mutations have been reported to be disease causing previously. For these reasons, this variant has been classified as Likely Pathogenic

NM_012233.3(RAB3GAP1):c.1199C>G (p.Ser400Ter)

Gene: RAB3GAP1 (RAB3 GTPase activating protein catalytic subunit 1; plus strand). Cytogenetic location: 2q21.3.
Variant type: single nucleotide variant.
Coding change: c.1199C>G on transcript NM_012233.3 (MANE Select); coding-DNA position 1199, C replaced by G.
Protein change: p.Ser400Ter; replaces serine 400 with a stop codon.
Molecular consequence: nonsense.
Genome position (GRCh38, 1-based): chr2:135,130,684, C>G. VCF-style: chr2-135130684-C-G. GRCh37 (hg19) VCF-style: chr2-135888254-C-G.
Other names: c.1199C>G, p.Ser400Ter (NM_001172435.2); short protein forms S400*.
Identifiers: ClinVar variation 1339002 (VCV001339002.2), dbSNP rs2104943498, ClinGen allele CA348574334.
Genomic context (GRCh38, chr2:135,130,684, plus strand): 5'-TTTCAAATATGGTACACACTGCAAAGAAGAAAATCCGAAAACACAGAGGTGTAGAGGAGT[C>G]ACCGCTAAATAATGATGTTCTTAATACTATTCTCCTGGTAACTAAATGTTCTGTCTTTAT-3'